The following is an entry in ClinVar:

NM_032634.4(PIGO):c.2979G>A (p.Leu993=)

Gene: PIGO (phosphatidylinositol glycan anchor biosynthesis class O; minus strand). Cytogenetic location: 9p13.3.
Variant type: single nucleotide variant.
Coding change: c.2979G>A on transcript NM_032634.4 (MANE Select); coding-DNA position 2979, G replaced by A.
Protein change: p.Leu993=; no amino-acid change (leucine 993 retained).
Molecular consequence: synonymous variant.
Genome position (GRCh38, 1-based): chr9:35,090,156, C>T on the plus strand (G>A on the coding strand, the complement: PIGO is on the minus strand). VCF-style: chr9-35090156-C-T. GRCh37 (hg19) VCF-style: chr9-35090153-C-T.
Other names: c.1728G>A, p.Leu576= (NM_001201484.2, NM_152850.4).
Identifiers: ClinVar variation 473229 (VCV000473229.15), dbSNP rs1554672011, ClinGen allele CA464420769.
Genomic context (GRCh38, chr9:35,090,156, plus strand): 5'-GCCCAGCTGCAGCAGTGCTGCATAGAAGTGCTGAGGCGCATCCCGGAGCCGCATCTCCAT[C>T]AGTGGCTCCTCTTCCTCCTCGGGTCTGACTCTGGCATCAGCTTCATTCCCTGGGGGCTGC-3'
Protein context (NP_116023.2, residues 983-1003): RVRPEEEEEP[Leu993=]MEMRLRDAPQ

ClinVar aggregate classification (germline): Conflicting classifications of pathogenicity. Review status: criteria provided, conflicting classifications (1 of 4 stars). 3 submissions from 3 submitters: Uncertain significance (1); Likely benign (1). 1 of the submissions does not count toward it. Last evaluated 2025-12-22.

Conditions:
PIGO-related disorder. Also called: PIGO-related condition.
Hyperphosphatasia with impaired intellectual development syndrome 2. Also called: GLYCOSYLPHOSPHATIDYLINOSITOL BIOSYNTHESIS DEFECT 6; Hyperphosphatasia with intellectual disability syndrome 2. Identifiers: Orphanet 247262, MedGen C3553637, MONDO:0013882, OMIM 614749.

Allele frequency attached by ClinVar (database versions not stated): TOPMed below 0.00001; gnomAD exomes below 0.00001; gnomAD 0.00001.
gnomAD v4.1: 2 of 1,614,252 alleles (0.00012%); highest among the groups gnomAD compares: East Asian, 0.0045%; no homozygotes.

Submissions (3):

Labcorp Genetics (formerly Invitae), Labcorp
Classification: Likely benign for Hyperphosphatasia with impaired intellectual development syndrome 2. Last evaluated: 2025-12-22. Review status: criteria provided, single submitter. Criteria: Invitae Variant Classification Sherloc (09022015). Collection method: clinical testing. Allele origin: germline.

GeneDx
Classification: Uncertain significance. Last evaluated: 2024-02-10. Review status: criteria provided, single submitter. Criteria: GeneDx Variant Classification Process June 2021. Collection method: clinical testing. Allele origin: germline. Affected: yes.
Comment: Not observed at significant frequency in large population cohorts (gnomAD); In silico analysis supports that this variant does not alter splicing; Has not been previously published as pathogenic or benign to our knowledge

PreventionGenetics, part of Exact Sciences
Classification: Likely benign for PIGO-related condition. Last evaluated: 2019-08-09. Review status: no assertion criteria provided. Collection method: clinical testing. Allele origin: germline. Not counted in ClinVar's aggregate classification.
Comment: This variant is classified as likely benign based on ACMG/AMP sequence variant interpretation guidelines (Richards et al. 2015 PMID: 25741868, with internal and published modifications).